The following is an entry in ClinVar:

ClinVar aggregate classification (germline): Uncertain significance. Review status: criteria provided, multiple submitters, no conflicts (2 of 4 stars). 2 submissions from 2 submitters: Uncertain significance (2). Last evaluated 2021-08-31.

Conditions:
Carnitine acylcarnitine translocase deficiency (CACTD). Identifiers: Orphanet 159, MedGen C0342791, MONDO:0008918, OMIM 212138.

Allele frequency attached by ClinVar (database versions not stated): gnomAD 0.00006 and 0.00004; gnomAD exomes 0.00001; ExAC 0.00002; TOPMed 0.00003.
gnomAD v4.1: 19 of 1,606,258 alleles (0.0012%); highest among the groups gnomAD compares: Admixed American, 0.017%; no homozygotes.

Submissions (2):

Labcorp Genetics (formerly Invitae), Labcorp
Classification: Uncertain significance for Carnitine acylcarnitine translocase deficiency. Last evaluated: 2021-08-31. Review status: criteria provided, single submitter. Criteria: Invitae Variant Classification Sherloc (09022015). Collection method: clinical testing. Allele origin: germline.
Comment: This sequence change replaces proline with alanine at codon 30 of the SLC25A20 protein (p.Pro30Ala). The proline residue is highly conserved and there is a small physicochemical difference between proline and alanine. This variant is present in population databases (rs780569251, ExAC 0.02%). This variant has not been reported in the literature in individuals affected with SLC25A20-related conditions. Algorithms developed to predict the effect of missense changes on protein structure and function are either unavailable or do not agree on the potential impact of this missense change (SIFT: "Deleterious"; PolyPhen-2: "Probably Damaging"; Align-GVGD: "Class C0"). In summary, the available evidence is currently insufficient to determine the role of this variant in disease. Therefore, it has been classified as a Variant of Uncertain Significance.

Laboratorio de Genetica e Diagnostico Molecular, Hospital Israelita Albert Einstein
Classification: Uncertain significance. Last evaluated: 2021-04-06. Review status: criteria provided, single submitter. Criteria: ACMG Guidelines, 2015. Collection method: clinical testing. Allele origin: germline. Affected: yes.
Comment: ACMG classification criteria: PP3, BP1

NM_000387.6(SLC25A20):c.88C>G (p.Pro30Ala)

Gene: SLC25A20 (solute carrier family 25 member 20; minus strand). Cytogenetic location: 3p21.31.
Variant type: single nucleotide variant.
Coding change: c.88C>G on transcript NM_000387.6 (MANE Select); coding-DNA position 88, C replaced by G.
Protein change: p.Pro30Ala; replaces proline 30 with alanine.
Molecular consequence: missense variant.
Genome position (GRCh38, 1-based): chr3:48,898,707, G>C on the plus strand (C>G on the coding strand, the complement: SLC25A20 is on the minus strand). VCF-style: chr3-48898707-G-C. GRCh37 (hg19) VCF-style: chr3-48936140-G-C.
Other names: short protein forms P30A.
Identifiers: ClinVar variation 578404 (VCV000578404.5), dbSNP rs780569251, ClinGen allele CA2387517.